The following is an entry in ClinVar:

ClinVar aggregate classification (germline): Uncertain significance (1 of 4 stars; one submission).

Conditions:
Deafness-lymphedema-leukemia syndrome. Also called: Emberger syndrome; Lymphedema, primary, with myelodysplasia. Identifiers: Orphanet 3226, MedGen C3279664, MONDO:0013540, OMIM 614038.
Monocytopenia with susceptibility to infections. Also called: IMMUNODEFICIENCY 21; GATA2 DEFICIENCY; MONOCYTOPENIA AND MYCOBACTERIAL INFECTION SYNDROME; MONOCYTOPENIA WITH SUSCEPTIBILITY TO MYCOBACTERIAL, FUNGAL, AND PAPILLOMAVIRUS INFECTIONS AND MYELODYSPLASIA; COMBINED IMMUNODEFICIENCY WITH SUSCEPTIBILITY TO MYCOBACTERIAL, VIRAL, AND FUNGAL INFECTIONS; Dendritic cell, monocyte, B lymphocyte, and natural killer lymphocyte deficiency. Identifiers: Orphanet 228423, MedGen C3280030, MONDO:0013607, OMIM 614172.

Submission:

Labcorp Genetics (formerly Invitae), Labcorp
Classification: Uncertain significance for Monocytopenia with susceptibility to infections; Deafness-lymphedema-leukemia syndrome. Last evaluated: 2023-06-22. Review status: criteria provided, single submitter. Criteria: Invitae Variant Classification Sherloc (09022015). Collection method: clinical testing. Allele origin: germline.
Comment: This sequence change replaces alanine, which is neutral and non-polar, with threonine, which is neutral and polar, at codon 144 of the GATA2 protein (p.Ala144Thr). This variant is not present in population databases (gnomAD no frequency). This variant has not been reported in the literature in individuals affected with GATA2-related conditions. Advanced modeling of protein sequence and biophysical properties (such as structural, functional, and spatial information, amino acid conservation, physicochemical variation, residue mobility, and thermodynamic stability) performed at Invitae indicates that this missense variant is not expected to disrupt GATA2 protein function. In summary, the available evidence is currently insufficient to determine the role of this variant in disease. Therefore, it has been classified as a Variant of Uncertain Significance.

NM_032638.5(GATA2):c.430G>A (p.Ala144Thr)

Gene: GATA2 (GATA binding protein 2; minus strand). Cytogenetic location: 3q21.3.
Variant type: single nucleotide variant.
Coding change: c.430G>A on transcript NM_032638.5 (MANE Select); coding-DNA position 430, G replaced by A.
Protein change: p.Ala144Thr; replaces alanine 144 with threonine.
Molecular consequence: missense variant.
Genome position (GRCh38, 1-based): chr3:128,486,168, C>T on the plus strand (G>A on the coding strand, the complement: GATA2 is on the minus strand). VCF-style: chr3-128486168-C-T. GRCh37 (hg19) VCF-style: chr3-128205011-C-T.
Other names: c.430G>A, p.Ala144Thr (NM_001145662.1, NM_001145661.2); short protein forms A144T.
Identifiers: ClinVar variation 2949179 (VCV002949179.3), dbSNP rs771741053, ClinGen allele CA354406780.
Genomic context (GRCh38, chr3:128,486,168, plus strand): 5'-CTGCTGTAGGGGTGAGGGAGGCCACTGAGCTCCCGCTGCCTCCCCCGCTCCCACCCCCAG[C>T]CCCTGGGTACACAGAGAGTGGGCCTCCAGGGCCTCCAGCAGCTGAGGGGTGCAGTGGCGT-3'
Protein context (NP_116027.2, residues 134-154): PGGPLSVYPG[Ala144Thr]GGGSGGGSGS